The following is an entry in ClinVar:

NM_032242.4(PLXNA1):c.1625C>T (p.Ser542Leu)

Gene: PLXNA1 (plexin A1; plus strand). Cytogenetic location: 3q21.3.
Variant type: single nucleotide variant.
Coding change: c.1625C>T on transcript NM_032242.4 (MANE Select); coding-DNA position 1625, C replaced by T.
Protein change: p.Ser542Leu; replaces serine 542 with leucine.
Molecular consequence: missense variant.
Genome position (GRCh38, 1-based): chr3:127,004,890, C>T. VCF-style: chr3-127004890-C-T. GRCh37 (hg19) VCF-style: chr3-126723733-C-T.
Other names: c.1625C>T (NM_032242.3); short protein forms S542L.
Identifiers: ClinVar variation 1600485 (VCV001600485.10), dbSNP rs559370201, ClinGen allele CA2593318.

ClinVar aggregate classification (germline): Benign. Review status: criteria provided, single submitter (1 of 4 stars). 2 submissions from 2 submitters: Benign (1). 1 of the submissions does not count toward it. Last evaluated 2025-12-08.

Conditions:
PLXNA1-related disorder. Also called: PLXNA1-related condition.

Allele frequency attached by ClinVar (database versions not stated): gnomAD 0.00001 and 0.00005; TOPMed 0.00001; 1000 Genomes Project 0.00020; 1000 Genomes Project 30x 0.00031; gnomAD exomes 0.00033; ExAC 0.00036.
gnomAD v4.1: 230 of 1,591,428 alleles (0.014%); highest among the groups gnomAD compares: South Asian, 0.23%; 5 homozygotes.

Submissions (2):

Labcorp Genetics (formerly Invitae), Labcorp
Classification: Benign. Last evaluated: 2025-12-08. Review status: criteria provided, single submitter. Criteria: Invitae Variant Classification Sherloc (09022015). Collection method: clinical testing. Allele origin: germline.

PreventionGenetics, part of Exact Sciences
Classification: Likely benign for PLXNA1-related condition. Last evaluated: 2019-04-05. Review status: no assertion criteria provided. Collection method: clinical testing. Allele origin: germline. Not counted in ClinVar's aggregate classification.
Comment: This variant is classified as likely benign based on ACMG/AMP sequence variant interpretation guidelines (Richards et al. 2015 PMID: 25741868, with internal and published modifications).